The following continues an entry in ClinVar:

NM_005536.4(IMPA1):c.325A>G (p.Ile109Val)

Gene: IMPA1. ClinVar aggregate classification (germline): Benign.

Submissions 35 to 59 of 59:

Dr. Peter K. Rogan Lab, Western University
No classification provided (evidence only). Condition: Hepatocellular carcinoma. Review status: no classification provided. Collection method: in vitro. Allele origin: not applicable. Functional consequence: skipped exon, retained intron. Not counted in ClinVar's aggregate classification.

Dr. Peter K. Rogan Lab, Western University
No classification provided (evidence only). Condition: Hepatocellular carcinoma. Review status: no classification provided. Collection method: in vitro. Allele origin: not applicable. Functional consequence: retained intron. Not counted in ClinVar's aggregate classification.

Dr. Peter K. Rogan Lab, Western University
No classification provided (evidence only). Condition: Hepatocellular carcinoma. Review status: no classification provided. Collection method: in vitro. Allele origin: not applicable. Functional consequence: retained intron. Not counted in ClinVar's aggregate classification.

Dr. Peter K. Rogan Lab, Western University
No classification provided (evidence only). Condition: Thymoma. Review status: no classification provided. Collection method: in vitro. Allele origin: not applicable. Functional consequence: skipped exon, retained intron. Not counted in ClinVar's aggregate classification.

Dr. Peter K. Rogan Lab, Western University
No classification provided (evidence only). Condition: Thymoma. Review status: no classification provided. Collection method: in vitro. Allele origin: not applicable. Functional consequence: retained intron. Not counted in ClinVar's aggregate classification.

Dr. Peter K. Rogan Lab, Western University
No classification provided (evidence only). Condition: Thymoma. Review status: no classification provided. Collection method: in vitro. Allele origin: not applicable. Functional consequence: retained intron. Not counted in ClinVar's aggregate classification.

Dr. Peter K. Rogan Lab, Western University
No classification provided (evidence only). Condition: Ovarian serous cystadenocarcinoma. Review status: no classification provided. Collection method: in vitro. Allele origin: not applicable. Functional consequence: retained intron. Not counted in ClinVar's aggregate classification.

Dr. Peter K. Rogan Lab, Western University
No classification provided (evidence only). Condition: Gastric cancer. Review status: no classification provided. Collection method: in vitro. Allele origin: not applicable. Functional consequence: retained intron. Not counted in ClinVar's aggregate classification.

Dr. Peter K. Rogan Lab, Western University
No classification provided (evidence only). Condition: Gastric cancer. Review status: no classification provided. Collection method: in vitro. Allele origin: not applicable. Functional consequence: retained intron. Not counted in ClinVar's aggregate classification.

Dr. Peter K. Rogan Lab, Western University
No classification provided (evidence only). Condition: Gastric cancer. Review status: no classification provided. Collection method: in vitro. Allele origin: not applicable. Functional consequence: retained intron. Not counted in ClinVar's aggregate classification.

Dr. Peter K. Rogan Lab, Western University
No classification provided (evidence only). Condition: Adrenocortical carcinoma, hereditary. Review status: no classification provided. Collection method: in vitro. Allele origin: not applicable. Functional consequence: retained intron. Not counted in ClinVar's aggregate classification.

Dr. Peter K. Rogan Lab, Western University
No classification provided (evidence only). Condition: Adrenocortical carcinoma, hereditary. Review status: no classification provided. Collection method: in vitro. Allele origin: not applicable. Functional consequence: skipped exon, retained intron. Not counted in ClinVar's aggregate classification.

Dr. Peter K. Rogan Lab, Western University
No classification provided (evidence only). Condition: Malignant tumor of esophagus. Review status: no classification provided. Collection method: in vitro. Allele origin: not applicable. Functional consequence: retained intron. Not counted in ClinVar's aggregate classification.

Dr. Peter K. Rogan Lab, Western University
No classification provided (evidence only). Condition: Malignant tumor of esophagus. Review status: no classification provided. Collection method: in vitro. Allele origin: not applicable. Functional consequence: retained intron. Not counted in ClinVar's aggregate classification.

Dr. Peter K. Rogan Lab, Western University
No classification provided (evidence only). Condition: Chronic lymphocytic leukemia/small lymphocytic lymphoma. Review status: no classification provided. Collection method: in vitro. Allele origin: not applicable. Functional consequence: retained intron. Not counted in ClinVar's aggregate classification.

Dr. Peter K. Rogan Lab, Western University
No classification provided (evidence only). Condition: Chronic lymphocytic leukemia/small lymphocytic lymphoma. Review status: no classification provided. Collection method: in vitro. Allele origin: not applicable. Functional consequence: retained intron. Not counted in ClinVar's aggregate classification.

Dr. Peter K. Rogan Lab, Western University
No classification provided (evidence only). Condition: Chronic lymphocytic leukemia/small lymphocytic lymphoma. Review status: no classification provided. Collection method: in vitro. Allele origin: not applicable. Functional consequence: retained intron. Not counted in ClinVar's aggregate classification.

Dr. Peter K. Rogan Lab, Western University
No classification provided (evidence only). Condition: Familial pancreatic carcinoma. Review status: no classification provided. Collection method: in vitro. Allele origin: not applicable. Functional consequence: skipped exon, retained intron. Not counted in ClinVar's aggregate classification.

Dr. Peter K. Rogan Lab, Western University
No classification provided (evidence only). Condition: Familial pancreatic carcinoma. Review status: no classification provided. Collection method: in vitro. Allele origin: not applicable. Functional consequence: retained intron. Not counted in ClinVar's aggregate classification.

Dr. Peter K. Rogan Lab, Western University
No classification provided (evidence only). Condition: Familial pancreatic carcinoma. Review status: no classification provided. Collection method: in vitro. Allele origin: not applicable. Functional consequence: retained intron. Not counted in ClinVar's aggregate classification.

Dr. Peter K. Rogan Lab, Western University
No classification provided (evidence only). Condition: Lymphoma. Review status: no classification provided. Collection method: in vitro. Allele origin: not applicable. Functional consequence: retained intron. Not counted in ClinVar's aggregate classification.

Dr. Peter K. Rogan Lab, Western University
No classification provided (evidence only). Condition: Lymphoma. Review status: no classification provided. Collection method: in vitro. Allele origin: not applicable. Functional consequence: retained intron. Not counted in ClinVar's aggregate classification.

Dr. Peter K. Rogan Lab, Western University
No classification provided (evidence only). Condition: Lymphoma. Review status: no classification provided. Collection method: in vitro. Allele origin: not applicable. Functional consequence: retained intron. Not counted in ClinVar's aggregate classification.

Dr. Peter K. Rogan Lab, Western University
No classification provided (evidence only). Condition: Ovarian cancer. Review status: no classification provided. Collection method: in vitro. Allele origin: not applicable. Functional consequence: retained intron. Not counted in ClinVar's aggregate classification.

Dr. Peter K. Rogan Lab, Western University
No classification provided (evidence only). Condition: Ovarian cancer. Review status: no classification provided. Collection method: in vitro. Allele origin: not applicable. Functional consequence: skipped exon. Not counted in ClinVar's aggregate classification.